The following is an entry in ClinVar:

ClinVar aggregate classification (germline): Uncertain significance (1 of 4 stars; one submission).

Conditions:
Neuroblastoma, susceptibility to, 3. Also called: ALK-Related Neuroblastic Tumor Susceptibility. Identifiers: Orphanet 635, MedGen C2751681, MONDO:0013083, OMIM 613014.

Allele frequency attached by ClinVar (database versions not stated): TOPMed below 0.00001; gnomAD 0.00001.
gnomAD v4.1: 1 of 1,612,628 alleles (0.000062%); highest among the groups gnomAD compares: Admixed American, 0.0017%; no homozygotes.

Submission:

Labcorp Genetics (formerly Invitae), Labcorp
Classification: Uncertain significance for Neuroblastoma, susceptibility to, 3. Last evaluated: 2022-03-13. Review status: criteria provided, single submitter. Criteria: Invitae Variant Classification Sherloc (09022015). Collection method: clinical testing. Allele origin: germline.
Comment: In summary, the available evidence is currently insufficient to determine the role of this variant in disease. Therefore, it has been classified as a Variant of Uncertain Significance. Algorithms developed to predict the effect of sequence changes on RNA splicing suggest that this variant may create or strengthen a splice site. Algorithms developed to predict the effect of missense changes on protein structure and function are either unavailable or do not agree on the potential impact of this missense change (SIFT: "Deleterious"; PolyPhen-2: "Benign"; Align-GVGD: "Class C0"). This variant has not been reported in the literature in individuals affected with ALK-related conditions. This variant is not present in population databases (gnomAD no frequency). This sequence change replaces glutamic acid, which is acidic and polar, with valine, which is neutral and non-polar, at codon 148 of the ALK protein (p.Glu148Val).

NM_004304.5(ALK):c.443A>T (p.Glu148Val)

Gene: ALK (ALK receptor tyrosine kinase; minus strand). Cytogenetic location: 2p23.1.
Variant type: single nucleotide variant.
Coding change: c.443A>T on transcript NM_004304.5 (MANE Select); coding-DNA position 443, A replaced by T.
Protein change: p.Glu148Val; replaces glutamic acid 148 with valine.
Molecular consequence: missense variant.
Genome position (GRCh38, 1-based): chr2:29,920,217, T>A on the plus strand (A>T on the coding strand, the complement: ALK is on the minus strand). VCF-style: chr2-29920217-T-A. GRCh37 (hg19) VCF-style: chr2-30143083-T-A.
Other names: short protein forms E148V.
Identifiers: ClinVar variation 1404095 (VCV001404095.8), dbSNP rs1331266292, ClinGen allele CA346590035.